The following is an entry in ClinVar:

ClinVar aggregate classification (germline): Uncertain significance (1 of 4 stars; one submission).

Conditions:
Left ventricular noncompaction 1 (LVNC1). Also called: LEFT VENTRICULAR NONCOMPACTION 1 WITH OR WITHOUT CONGENITAL HEART DEFECTS. Identifiers: Orphanet 54260, MedGen C1858725, MONDO:0011403, OMIM 604169.

Allele frequency attached by ClinVar (database versions not stated): TOPMed below 0.00001.

Submission:

Labcorp Genetics (formerly Invitae), Labcorp
Classification: Uncertain significance for Left ventricular noncompaction 1. Last evaluated: 2024-02-24. Review status: criteria provided, single submitter. Criteria: Invitae Variant Classification Sherloc (09022015). Collection method: clinical testing. Allele origin: germline.
Comment: This sequence change replaces methionine, which is neutral and non-polar, with valine, which is neutral and non-polar, at codon 540 of the DTNA protein (p.Met540Val). This variant is not present in population databases (gnomAD no frequency). This variant has not been reported in the literature in individuals affected with DTNA-related conditions. ClinVar contains an entry for this variant (Variation ID: 665135). An algorithm developed to predict the effect of missense changes on protein structure and function (PolyPhen-2) suggests that this variant is likely to be disruptive. In summary, the available evidence is currently insufficient to determine the role of this variant in disease. Therefore, it has been classified as a Variant of Uncertain Significance.

NM_001386795.1(DTNA):c.1708A>G (p.Met570Val)

Gene: DTNA (dystrobrevin alpha; plus strand). Cytogenetic location: 18q12.1.
Variant type: single nucleotide variant.
Coding change: c.1708A>G on transcript NM_001386795.1 (MANE Select); coding-DNA position 1708, A replaced by G.
Protein change: p.Met570Val; replaces methionine 570 with valine.
Molecular consequence: missense variant.
Genome position (GRCh38, 1-based): chr18:34,864,027, A>G. VCF-style: chr18-34864027-A-G. GRCh37 (hg19) VCF-style: chr18-32443991-A-G.
Other names: c.1444A>G, p.Met482Val (NM_001386769.1, NM_001386773.1, NM_001386774.1 and 1 more transcripts); c.1537A>G, p.Met513Val (NM_001386770.1, NM_001386754.1, NM_001386755.1 and 4 more transcripts); c.1447A>G, p.Met483Val (NM_001386771.1, NM_001386772.1, NM_001198938.2 and 9 more transcripts); c.1708A>G, p.Met570Val (NM_001386788.1); c.1627A>G, p.Met543Val (NM_001390.5, NM_001391.5); c.1456A>G, p.Met486Val (NM_032975.4, NM_032979.5, NM_001386761.1); c.1618A>G, p.Met540Val (NM_032978.7); c.571A>G, p.Met191Val (NM_032980.4); and 7 more; short protein forms M191V, M252V, M293V, M486V, M540V, M543V, M483V, M165V.
Identifiers: ClinVar variation 665135 (VCV000665135.10), dbSNP rs1250288261, ClinGen allele CA402176714.